The following is an entry in ClinVar:

ClinVar aggregate classification (germline): Conflicting classifications of pathogenicity. Review status: criteria provided, conflicting classifications (1 of 4 stars). 4 submissions from 4 submitters: Uncertain significance (3); Likely benign (1). Last evaluated 2025-12-26.

Conditions:
Retinitis pigmentosa (RP). Identifiers: Orphanet 791, MedGen C0035334, MeSH D012174, MONDO:0019200, OMIM 268000. Inheritance: Autosomal dominant, autosomal recessive and X linked inheritance.

Allele frequency attached by ClinVar (database versions not stated): ExAC 0.00081; gnomAD 0.00107 and 0.00115; 1000 Genomes Project 0.00060; 1000 Genomes Project 30x 0.00062; gnomAD exomes 0.00066 and 0.00123; ESP Exome Variant Server 0.00077; TOPMed 0.00142.
gnomAD v4.1: 1,992 of 1,614,124 alleles (0.12%); highest among the groups gnomAD compares: Non-Finnish European, 0.15%; 8 homozygotes.

Submissions (4):

Labcorp Genetics (formerly Invitae), Labcorp
Classification: Uncertain significance. Last evaluated: 2025-12-26. Review status: criteria provided, single submitter. Criteria: Invitae Variant Classification Sherloc (09022015). Collection method: clinical testing. Allele origin: germline.
Comment: This sequence change replaces arginine, which is basic and polar, with glutamine, which is neutral and polar, at codon 250 of the ZNF513 protein (p.Arg250Gln). This variant is present in population databases (rs141337532, gnomAD 0.1%), and has an allele count higher than expected for a pathogenic variant. This variant has not been reported in the literature in individuals affected with ZNF513-related conditions. ClinVar contains an entry for this variant (Variation ID: 335555). An algorithm developed to predict the effect of missense changes on protein structure and function outputs the following: PolyPhen-2: "Benign". The glutamine amino acid residue is found in multiple mammalian species, which suggests that this missense change does not adversely affect protein function. In summary, the available evidence is currently insufficient to determine the role of this variant in disease. Therefore, it has been classified as a Variant of Uncertain Significance.

Blueprint Genetics
Classification: Likely benign. Last evaluated: 2024-10-30. Review status: criteria provided, single submitter. Criteria: ACMG Guidelines, 2015. Collection method: clinical testing. Allele origin: germline.

Illumina Laboratory Services, Illumina
Classification: Uncertain significance for Retinitis pigmentosa. Last evaluated: 2018-01-12. Review status: criteria provided, single submitter. Criteria: ICSL Variant Classification Criteria 13 December 2019. Collection method: clinical testing. Allele origin: germline.

Breakthrough Genomics
Classification: Uncertain significance. Review status: criteria provided, single submitter. Criteria: ACMG Guidelines, 2015. Collection method: not provided. Allele origin: germline. Inheritance: Autosomal recessive inheritance. Affected: yes.

NM_144631.6(ZNF513):c.749G>A (p.Arg250Gln)

Gene: ZNF513 (zinc finger protein 513; minus strand). Cytogenetic location: 2p23.3.
Variant type: single nucleotide variant.
Coding change: c.749G>A on transcript NM_144631.6 (MANE Select); coding-DNA position 749, G replaced by A.
Protein change: p.Arg250Gln; replaces arginine 250 with glutamine.
Molecular consequence: missense variant.
Genome position (GRCh38, 1-based): chr2:27,378,517, C>T on the plus strand (G>A on the coding strand, the complement: ZNF513 is on the minus strand). VCF-style: chr2-27378517-C-T. GRCh37 (hg19) VCF-style: chr2-27601384-C-T.
Other names: c.563G>A, p.Arg188Gln (NM_001201459.2); short protein forms R250Q, R188Q.
Identifiers: ClinVar variation 335555 (VCV000335555.15), dbSNP rs141337532, ClinGen allele CA1577979.